The following is an entry in ClinVar:

ClinVar aggregate classification (germline): Uncertain significance. Review status: criteria provided, multiple submitters, no conflicts (2 of 4 stars). 4 submissions from 4 submitters: Uncertain significance (4). Last evaluated 2025-07-06.

Conditions:
Cardiovascular phenotype. Identifiers: MedGen CN230736.
Hypertrophic cardiomyopathy. Also called: HYPERTROPHIC MYOCARDIOPATHY. Identifiers: Orphanet 217569, MedGen C0007194, MeSH D002312, MONDO:0005045, HP:0001639.

Allele frequency attached by ClinVar (database versions not stated): gnomAD exomes below 0.00001; gnomAD 0.00001; TOPMed 0.00001; ESP Exome Variant Server 0.00008.
gnomAD v4.1: 8 of 1,613,156 alleles (0.0005%); highest among the groups gnomAD compares: African/African-American, 0.0053%; no homozygotes.

Submissions (4):

Labcorp Genetics (formerly Invitae), Labcorp
Classification: Uncertain significance for Hypertrophic cardiomyopathy. Last evaluated: 2025-07-06. Review status: criteria provided, single submitter. Criteria: Invitae Variant Classification Sherloc (09022015). Collection method: clinical testing. Allele origin: germline.
Comment: This sequence change replaces phenylalanine, which is neutral and non-polar, with leucine, which is neutral and non-polar, at codon 247 of the MYBPC3 protein (p.Phe247Leu). This variant is not present in population databases (gnomAD no frequency). This variant has not been reported in the literature in individuals affected with MYBPC3-related conditions. ClinVar contains an entry for this variant (Variation ID: 944270). An algorithm developed to predict the effect of missense changes on protein structure and function (PolyPhen-2) suggests that this variant is likely to be disruptive. In summary, the available evidence is currently insufficient to determine the role of this variant in disease. Therefore, it has been classified as a Variant of Uncertain Significance.

GeneDx
Classification: Uncertain significance. Last evaluated: 2025-04-16. Review status: criteria provided, single submitter. Criteria: GeneDx Variant Classification Process June 2021. Collection method: clinical testing. Allele origin: germline. Affected: yes.
Comment: Not observed at significant frequency in large population cohorts (gnomAD); In silico analysis supports that this missense variant has a deleterious effect on protein structure/function; Has not been previously published as pathogenic or benign to our knowledge

All of Us Research Program, National Institutes of Health
Classification: Uncertain significance for Hypertrophic cardiomyopathy. Last evaluated: 2024-01-11. Review status: criteria provided, single submitter. Criteria: ACMG Guidelines, 2015. Collection method: clinical testing. Allele origin: germline. Inheritance: Autosomal dominant inheritance. Observed: 2 variant alleles, 2 heterozygotes.
Comment: This missense variant replaces phenylalanine with leucine at codon 247 of the MYBPC3 protein. Computational prediction suggests that this variant may not impact protein structure and function (internally defined REVEL score threshold <= 0.5, PMID: 27666373). To our knowledge, functional studies have not been reported for this variant. This variant has not been reported in individuals affected with MYBPC3-related disorders in the literature. This variant has not been identified in the general population by the Genome Aggregation Database (gnomAD). The available evidence is insufficient to determine the role of this variant in disease conclusively. Therefore, this variant is classified as a Variant of Uncertain Significance.

This study involves interpretation of variants in research participants for the purpose of population health screening. Participant phenotype was not available at the time of variant classification. Additional details can be found in publication PMID: 35346344, PMCID: PMC8962531

Ambry Genetics
Classification: Uncertain significance for Cardiovascular phenotype. Last evaluated: 2022-05-24. Review status: criteria provided, single submitter. Criteria: Ambry Variant Classification Scheme 2023. Collection method: clinical testing. Allele origin: germline.
Comment: The p.F247L variant (also known as c.739T>C), located in coding exon 6 of the MYBPC3 gene, results from a T to C substitution at nucleotide position 739. The phenylalanine at codon 247 is replaced by leucine, an amino acid with highly similar properties. This amino acid position is highly conserved in available vertebrate species. In addition, the in silico prediction for this alteration is inconclusive. Since supporting evidence is limited at this time, the clinical significance of this alteration remains unclear.

NM_000256.3(MYBPC3):c.739T>C (p.Phe247Leu)

Gene: MYBPC3 (myosin binding protein C3; minus strand). Cytogenetic location: 11p11.2.
Variant type: single nucleotide variant.
Coding change: c.739T>C on transcript NM_000256.3 (MANE Select); coding-DNA position 739, T replaced by C.
Protein change: p.Phe247Leu; replaces phenylalanine 247 with leucine.
Molecular consequence: missense variant.
Genome position (GRCh38, 1-based): chr11:47,348,457, A>G on the plus strand (T>C on the coding strand, the complement: MYBPC3 is on the minus strand). VCF-style: chr11-47348457-A-G. GRCh37 (hg19) VCF-style: chr11-47370008-A-G.
Other names: short protein forms F247L.
Identifiers: ClinVar variation 944270 (VCV000944270.13), dbSNP rs372574446, ClinGen allele CA221703378.